The following is an entry in ClinVar:

NM_000218.3(KCNQ1):c.445G>A (p.Ala149Thr)

Gene: KCNQ1 (potassium voltage-gated channel subfamily Q member 1; plus strand). Cytogenetic location: 11p15.5.
Variant type: single nucleotide variant.
Coding change: c.445G>A on transcript NM_000218.3 (MANE Select); coding-DNA position 445, G replaced by A.
Protein change: p.Ala149Thr; replaces alanine 149 with threonine.
Molecular consequence: missense variant.
Genome position (GRCh38, 1-based): chr11:2,527,986, G>A. VCF-style: chr11-2527986-G-A. GRCh37 (hg19) VCF-style: chr11-2549216-G-A.
Other names: c.445G>A, p.Ala149Thr (NM_001406836.1, NM_001406838.1); c.175G>A, p.Ala59Thr (NM_001406837.1); c.64G>A, p.Ala22Thr (NM_181798.2); short protein forms A149T, A22T, A59T.
Identifiers: ClinVar variation 1331890 (VCV001331890.7), dbSNP rs1362690035, ClinGen allele CA379121937.
Genomic context (GRCh38, chr11:2,527,986, plus strand): 5'-AGCTTCCTCATCGTCCTGGTCTGCCTCATCTTCAGCGTGCTGTCCACCATCGAGCAGTAT[G>A]CCGCCCTGGCCACGGGGACTCTCTTCTGGATGGTACGTAGCATCTGAGGGCATGGCTGGA-3'
Protein context (NP_000209.2, residues 139-159): FSVLSTIEQY[Ala149Thr]ALATGTLFWM

ClinVar aggregate classification (germline): Uncertain significance. Review status: criteria provided, multiple submitters, no conflicts (2 of 4 stars). 2 submissions from 2 submitters: Uncertain significance (2). Last evaluated 2025-08-06.

Conditions:
Long QT syndrome (LQTS). Identifiers: MedGen C0023976, MeSH D008133, MONDO:0002442. Disease mechanism: loss of function. Inheritance: Various modes of inheritance.
Cardiac arrhythmia. Also called: Cardiac rhythm disease; Arrhythmia. Identifiers: MedGen C0003811, MONDO:0007263, HP:0011675.

Allele frequency attached by ClinVar (database versions not stated): gnomAD exomes below 0.00001; TOPMed below 0.00001; gnomAD 0.00001.
gnomAD v4.1: 3 of 1,613,868 alleles (0.00019%); highest among the groups gnomAD compares: African/African-American, 0.0013%; no homozygotes.

Submissions (2):

Labcorp Genetics (formerly Invitae), Labcorp
Classification: Uncertain significance for Long QT syndrome. Last evaluated: 2025-08-06. Review status: criteria provided, single submitter. Criteria: Invitae Variant Classification Sherloc (09022015). Collection method: clinical testing. Allele origin: germline.
Comment: This sequence change replaces alanine, which is neutral and non-polar, with threonine, which is neutral and polar, at codon 149 of the KCNQ1 protein (p.Ala149Thr). This variant is not present in population databases (gnomAD no frequency). This variant has not been reported in the literature in individuals affected with KCNQ1-related conditions. ClinVar contains an entry for this variant (Variation ID: 1331890). Invitae Evidence Modeling of protein sequence and biophysical properties (such as structural, functional, and spatial information, amino acid conservation, physicochemical variation, residue mobility, and thermodynamic stability) indicates that this missense variant is not expected to disrupt KCNQ1 protein function with a negative predictive value of 95%. In summary, the available evidence is currently insufficient to determine the role of this variant in disease. Therefore, it has been classified as a Variant of Uncertain Significance.

Color Diagnostics, LLC DBA Color Health
Classification: Uncertain significance for Cardiac arrhythmia. Last evaluated: 2024-03-07. Review status: criteria provided, single submitter. Criteria: ACMG Guidelines, 2015. Collection method: clinical testing. Allele origin: germline.
Comment: This missense variant replaces alanine with threonine at codon 149 of the KCNQ1 protein. Computational prediction is inconclusive regarding the impact of this variant on protein structure and function (internally defined REVEL score threshold 0.5 < inconclusive < 0.7, PMID: 27666373). To our knowledge, functional studies have not been reported for this variant. This variant has not been reported in individuals affected with cardiovascular disorders in the literature. This variant has not been identified in the general population by the Genome Aggregation Database (gnomAD). The available evidence is insufficient to determine the role of this variant in disease conclusively. Therefore, this variant is classified as a Variant of Uncertain Significance.